The following is an entry in ClinVar:

NM_000352.6(ABCC8):c.751G>A (p.Gly251Arg)

Gene: ABCC8 (ATP binding cassette subfamily C member 8; minus strand). Cytogenetic location: 11p15.1.
Variant type: single nucleotide variant.
Coding change: c.751G>A on transcript NM_000352.6 (MANE Select); coding-DNA position 751, G replaced by A.
Protein change: p.Gly251Arg; replaces glycine 251 with arginine.
Molecular consequence: missense variant. On other transcripts: non-coding transcript variant (1).
Genome position (GRCh38, 1-based): chr11:17,461,654, C>T on the plus strand (G>A on the coding strand, the complement: ABCC8 is on the minus strand). VCF-style: chr11-17461654-C-T. GRCh37 (hg19) VCF-style: chr11-17483201-C-T.
Other names: c.751G>A, p.Gly251Arg (NM_001287174.3, NM_001351295.2, NM_001351296.2 and 1 more transcripts); short protein forms G251R.
Identifiers: ClinVar variation 4693982 (VCV004693982.1).

ClinVar aggregate classification (germline): Uncertain significance (1 of 4 stars; one submission).

gnomAD v4.1: 27 of 1,614,246 alleles (0.0017%); highest among the groups gnomAD compares: Non-Finnish European, 0.0021%; no homozygotes.

Submission:

Labcorp Genetics (formerly Invitae), Labcorp
Classification: Uncertain significance. Last evaluated: 2026-01-02. Review status: criteria provided, single submitter. Criteria: Invitae Variant Classification Sherloc (09022015). Collection method: clinical testing. Allele origin: germline.
Comment: This sequence change replaces glycine, which is neutral and non-polar, with arginine, which is basic and polar, at codon 251 of the ABCC8 protein (p.Gly251Arg). This variant is present in population databases (rs776122453, gnomAD 0.003%). This missense change has been observed in individual(s) with ABCC8-related conditions (PMID: 31264968). Invitae Evidence Modeling of protein sequence and biophysical properties (such as structural, functional, and spatial information, amino acid conservation, physicochemical variation, residue mobility, and thermodynamic stability) indicates that this missense variant is expected to disrupt ABCC8 protein function with a positive predictive value of 95%. In summary, the available evidence is currently insufficient to determine the role of this variant in disease. Therefore, it has been classified as a Variant of Uncertain Significance.

Literature cited by the submitters: PubMed 31264968.